The following is an entry in ClinVar:

ClinVar aggregate classification (germline): Conflicting classifications of pathogenicity. Review status: criteria provided, conflicting classifications (1 of 4 stars). 4 submissions from 4 submitters: Uncertain significance (3); Likely benign (1). Last evaluated 2025-03-11.

Conditions:
TTN-related disorder. Also called: TTN-related condition; TTN-related disease; TTN-related disorders.
Dilated cardiomyopathy 1G (CMD1G). Identifiers: Orphanet 154, MedGen C1858763, MONDO:0011400, OMIM 604145.
Autosomal recessive limb-girdle muscular dystrophy type 2J (LGMDR10). Also called: Limb-girdle muscular dystrophy, type 2J; MUSCULAR DYSTROPHY, LIMB-GIRDLE, AUTOSOMAL RECESSIVE 10. Identifiers: Orphanet 140922, MedGen C1837342, MONDO:0012127, OMIM 608807.

Allele frequency attached by ClinVar (database versions not stated): ExAC 0.00001; gnomAD 0.00001; gnomAD exomes 0.00001; TOPMed 0.00002; ESP Exome Variant Server 0.00008.
gnomAD v4.1: 18 of 1,608,762 alleles (0.0011%); highest among the groups gnomAD compares: South Asian, 0.0066%; no homozygotes.

Submissions (4):

PreventionGenetics, part of Exact Sciences
Classification: Uncertain significance for TTN-related condition. Last evaluated: 2025-03-11. Review status: criteria provided, single submitter. Criteria: ACMG Guidelines, 2015. Collection method: clinical testing. Allele origin: germline.
Comment: The TTN c.107200G>A variant is predicted to result in the amino acid substitution p.Glu35734Lys. To our knowledge, this variant has not been reported in the literature. This variant is reported in 0.0018% of alleles in individuals of European (Non-Finnish) descent in gnomAD. At this time, the clinical significance of this variant is uncertain due to the absence of conclusive functional and genetic evidence.

Labcorp Genetics (formerly Invitae), Labcorp
Classification: Uncertain significance for Dilated cardiomyopathy 1G; Autosomal recessive limb-girdle muscular dystrophy type 2J. Last evaluated: 2024-07-11. Review status: criteria provided, single submitter. Criteria: Invitae Variant Classification Sherloc (09022015). Collection method: clinical testing. Allele origin: germline.
Comment: This sequence change replaces glutamic acid, which is acidic and polar, with lysine, which is basic and polar, at codon 35734 of the TTN protein (p.Glu35734Lys). This variant is present in population databases (rs374992991, gnomAD 0.002%). This variant has not been reported in the literature in individuals affected with TTN-related conditions. ClinVar contains an entry for this variant (Variation ID: 203113). Experimental studies and prediction algorithms are not available or were not evaluated, and the functional significance of this variant is currently unknown. This variant is located in the M band of TTN (PMID: 25589632). Non-truncating variants in this region may be relevant for neuromuscular disorders, but have not been definitively shown to cause cardiomyopathy (PMID: 23975875). In summary, the available evidence is currently insufficient to determine the role of this variant in disease. Therefore, it has been classified as a Variant of Uncertain Significance.

GeneDx
Classification: Likely benign. Last evaluated: 2018-04-05. Review status: criteria provided, single submitter. Criteria: GeneDx Variant Classification Process June 2021. Collection method: clinical testing. Allele origin: germline. Affected: yes.

Eurofins Ntd Llc (ga)
Classification: Uncertain significance. Last evaluated: 2016-12-04. Review status: criteria provided, single submitter. Criteria: EGL Classification Definitions 2015. Collection method: clinical testing. Allele origin: germline. Observed: 2 variant alleles, 2 heterozygotes.

Literature cited by the submitters: PubMed 25589632 (cited by Labcorp Genetics (formerly Invitae), Labcorp); PubMed 23975875 (cited by Labcorp Genetics (formerly Invitae), Labcorp).

NM_001267550.2(TTN):c.107200G>A (p.Glu35734Lys)

Genes: TTN (titin; minus strand), TTN-AS1 (TTN antisense RNA 1; plus strand). Cytogenetic location: 2q31.2.
Variant type: single nucleotide variant.
Coding change: c.107200G>A on transcript NM_001267550.2 (MANE Select); coding-DNA position 107200, G replaced by A.
Protein change: p.Glu35734Lys; replaces glutamic acid 35734 with lysine.
Molecular consequence: missense variant.
Genome position (GRCh38, 1-based): chr2:178,528,551, C>T on the plus strand (G>A on the coding strand, the complement: TTN is on the minus strand). VCF-style: chr2-178528551-C-T. GRCh37 (hg19) VCF-style: chr2-179393278-C-T.
Other names: p.E34093K:GAA>AAA; c.102277G>A, p.Glu34093Lys (NM_001256850.1); c.80005G>A, p.Glu26669Lys (NM_003319.4); c.99496G>A, p.Glu33166Lys (NM_133378.4); c.80380G>A, p.Glu26794Lys (NM_133432.3); c.80581G>A, p.Glu26861Lys (NM_133437.4); short protein forms E34093K, E35734K, E33166K, E26669K, E26794K, E26861K.
Identifiers: ClinVar variation 203113 (VCV000203113.19), dbSNP rs374992991, ClinGen allele CA311283.